The following is an entry in ClinVar:

ClinVar aggregate classification (germline): Uncertain significance. Review status: criteria provided, multiple submitters, no conflicts (2 of 4 stars). 2 submissions from 2 submitters: Uncertain significance (2). Last evaluated 2025-11-23.

Conditions:
Familial adenomatous polyposis 1 (FAP1). Also called: FAMILIAL ADENOMATOUS POLYPOSIS 1, ATTENUATED; POLYPOSIS, ADENOMATOUS INTESTINAL. Identifiers: MedGen C2713442, MONDO:0021056, OMIM 175100. Disease mechanism: loss of function.
Hereditary cancer-predisposing syndrome. Also called: Hereditary Cancer Syndrome; Neoplastic Syndromes, Hereditary; Hereditary neoplastic syndrome; Tumor predisposition. Identifiers: Orphanet 140162, MedGen C0027672, MeSH D009386, MONDO:0015356.

Submissions (2):

Ambry Genetics
Classification: Uncertain significance for Hereditary cancer-predisposing syndrome. Last evaluated: 2025-11-23. Review status: criteria provided, single submitter. Criteria: Ambry Variant Classification Scheme 2023. Collection method: clinical testing. Allele origin: germline.

Labcorp Genetics (formerly Invitae), Labcorp
Classification: Uncertain significance for Familial adenomatous polyposis 1. Last evaluated: 2022-10-05. Review status: criteria provided, single submitter. Criteria: Invitae Variant Classification Sherloc (09022015). Collection method: clinical testing. Allele origin: germline.
Comment: This sequence change replaces asparagine, which is neutral and polar, with lysine, which is basic and polar, at codon 270 of the APC protein (p.Asn270Lys). This variant is not present in population databases (gnomAD no frequency). This variant has not been reported in the literature in individuals affected with APC-related conditions. Advanced modeling of protein sequence and biophysical properties (such as structural, functional, and spatial information, amino acid conservation, physicochemical variation, residue mobility, and thermodynamic stability) performed at Invitae indicates that this missense variant is not expected to disrupt APC protein function. In summary, the available evidence is currently insufficient to determine the role of this variant in disease. Therefore, it has been classified as a Variant of Uncertain Significance.

NM_000038.6(APC):c.810C>G (p.Asn270Lys)

Gene: APC (APC regulator of Wnt signaling pathway; plus strand). Cytogenetic location: 5q22.2.
Variant type: single nucleotide variant.
Coding change: c.810C>G on transcript NM_000038.6 (MANE Select); coding-DNA position 810, C replaced by G.
Protein change: p.Asn270Lys; replaces asparagine 270 with lysine.
Molecular consequence: missense variant. On other transcripts: 5 prime UTR variant (1).
Genome position (GRCh38, 1-based): chr5:112,801,359, C>G. VCF-style: chr5-112801359-C-G. GRCh37 (hg19) VCF-style: chr5-112137056-C-G.
Other names: c.810C>G, p.Asn270Lys (NM_001127510.3, NM_001354895.2, NM_001354896.2 and 12 more transcripts); c.756C>G, p.Asn252Lys (NM_001127511.3); c.840C>G, p.Asn280Lys (NM_001354897.2, NM_001354902.2, NM_001407446.1); c.735C>G, p.Asn245Lys (NM_001354898.2, NM_001354904.2, NM_001407451.1); c.726C>G, p.Asn242Lys (NM_001354899.2, NM_001407452.1, NM_001407467.1 and 1 more transcripts); c.633C>G, p.Asn211Lys (NM_001354900.2, NM_001354901.2, NM_001354905.2 and 1 more transcripts); c.-226C>G (NM_001354906.2, NM_001407470.1, NM_001407471.1 and 1 more transcripts); c.810C>G (NM_000038.5); short protein forms N211K, N245K, N280K, N242K, N252K, N270K.
Identifiers: ClinVar variation 2015344 (VCV002015344.5), dbSNP rs1313236573, ClinGen allele CA16023101.